The following is an entry in ClinVar:

NM_014339.7(IL17RA):c.1848C>T (p.Gly616=)

Gene: IL17RA (interleukin 17 receptor A; plus strand). Cytogenetic location: 22q11.1.
Variant type: single nucleotide variant.
Coding change: c.1848C>T on transcript NM_014339.7 (MANE Select); coding-DNA position 1848, C replaced by T.
Protein change: p.Gly616=; no amino-acid change (glycine 616 retained).
Molecular consequence: synonymous variant.
Genome position (GRCh38, 1-based): chr22:17,109,067, C>T. VCF-style: chr22-17109067-C-T. GRCh37 (hg19) VCF-style: chr22-17589957-C-T.
Other names: c.1746C>T, p.Gly582= (NM_001289905.2); c.1848C>T (NM_014339.6).
Identifiers: ClinVar variation 1587776 (VCV001587776.9), dbSNP rs576301533, ClinGen allele CA10086869.
Genomic context (GRCh38, chr22:17,109,067, plus strand): 5'-GGATGCCCCGTCCCTGGACGAAGAGGTGTTTGAGGAGCCACTGCTGCCTCCGGGAACCGG[C>T]ATCGTGAAGCGGGCGCCCCTGGTGCGCGAGCCTGGCTCCCAGGCCTGCCTGGCCATAGAC-3'
Protein context (NP_055154.3, residues 606-626): FEEPLLPPGT[Gly616=]IVKRAPLVRE

ClinVar aggregate classification (germline): Likely benign. Review status: criteria provided, single submitter (1 of 4 stars). 2 submissions from 2 submitters: Likely benign (1). 1 of the submissions does not count toward it. Last evaluated 2025-11-19.

Conditions:
IL17RA-related disorder. Also called: IL17RA-related condition.
Immunodeficiency 51 (IMD51). Also called: CANDIDIASIS, FAMILIAL, 5. Identifiers: Orphanet 1334, MedGen C4310803, MONDO:0013500, OMIM 613953.

Allele frequency attached by ClinVar (database versions not stated): gnomAD 0.00005 and 0.00001; gnomAD exomes 0.00011 and 0.00022; 1000 Genomes Project 30x 0.00016; 1000 Genomes Project 0.00020; ExAC 0.00038; TOPMed 0.00001.
gnomAD v4.1: 166 of 1,583,850 alleles (0.01%); highest among the groups gnomAD compares: South Asian, 0.17%; 1 homozygote.

Submissions (2):

Labcorp Genetics (formerly Invitae), Labcorp
Classification: Likely benign for Immunodeficiency 51. Last evaluated: 2025-11-19. Review status: criteria provided, single submitter. Criteria: Invitae Variant Classification Sherloc (09022015). Collection method: clinical testing. Allele origin: germline.

PreventionGenetics, part of Exact Sciences
Classification: Likely benign for IL17RA-related condition. Last evaluated: 2020-02-12. Review status: no assertion criteria provided. Collection method: clinical testing. Allele origin: germline. Not counted in ClinVar's aggregate classification.
Comment: This variant is classified as likely benign based on ACMG/AMP sequence variant interpretation guidelines (Richards et al. 2015 PMID: 25741868, with internal and published modifications).